The following is an entry in ClinVar:

ClinVar aggregate classification (germline): Uncertain significance (1 of 4 stars; one submission).

Allele frequency attached by ClinVar (database versions not stated): gnomAD exomes 0.00001; TOPMed 0.00001; ExAC 0.00002.
gnomAD v4.1: 3 of 1,614,160 alleles (0.00019%); highest among the groups gnomAD compares: Admixed American, 0.005%; no homozygotes.

Submission:

Labcorp Genetics (formerly Invitae), Labcorp
Classification: Uncertain significance. Last evaluated: 2022-05-08. Review status: criteria provided, single submitter. Criteria: Invitae Variant Classification Sherloc (09022015). Collection method: clinical testing. Allele origin: germline.
Comment: This sequence change replaces methionine, which is neutral and non-polar, with valine, which is neutral and non-polar, at codon 2797 of the SZT2 protein (p.Met2797Val). This variant is present in population databases (rs767462709, gnomAD 0.009%). This variant has not been reported in the literature in individuals affected with SZT2-related conditions. Algorithms developed to predict the effect of missense changes on protein structure and function (SIFT, PolyPhen-2, Align-GVGD) all suggest that this variant is likely to be tolerated. In summary, the available evidence is currently insufficient to determine the role of this variant in disease. Therefore, it has been classified as a Variant of Uncertain Significance.

NM_001365999.1(SZT2):c.8560A>G (p.Met2854Val)

Gene: SZT2 (SZT2 subunit of KICSTOR complex; plus strand). Cytogenetic location: 1p34.2.
Variant type: single nucleotide variant.
Coding change: c.8560A>G on transcript NM_001365999.1 (MANE Select); coding-DNA position 8560, A replaced by G.
Protein change: p.Met2854Val; replaces methionine 2854 with valine.
Molecular consequence: missense variant.
Genome position (GRCh38, 1-based): chr1:43,443,412, A>G. VCF-style: chr1-43443412-A-G. GRCh37 (hg19) VCF-style: chr1-43909083-A-G.
Other names: c.8389A>G, p.Met2797Val (NM_015284.4); c.1A>G, p.Met1Val (NM_024547.1); short protein forms M2854V, M1V, M2797V.
Identifiers: ClinVar variation 2161181 (VCV002161181.1), dbSNP rs767462709, ClinGen allele CA810598.